The following is an entry in ClinVar:

ClinVar aggregate classification (germline): Uncertain significance (1 of 4 stars; one submission).

Conditions:
Basal ganglia calcification, idiopathic, 4 (PFBC4). Also called: Familial Idiopathic Basal Ganglia Calcification 4; PRIMARY FAMILIAL BRAIN CALCIFICATION 4, AUTOSOMAL DOMINANT. Identifiers: Orphanet 1980, MedGen C3554321, MONDO:0014004, OMIM 615007.

Submission:

Neuberg Centre For Genomic Medicine, NCGM
Classification: Uncertain significance for Basal ganglia calcification, idiopathic, 4. Review status: criteria provided, single submitter. Criteria: ACMG Guidelines, 2015. Collection method: clinical testing. Allele origin: germline. Inheritance: Autosomal dominant inheritance. Affected: yes.
Comment: The observed missense variant c.3080A>C(p.Asp1027Ala) in the PDGFRB gene has not been reported previously as a pathogenic variant nor as a benign variant, to our knowledge. This variant is absent in the gnomAD Exomes. The amino acid Asp at position 1027 is changed to a Ala changing protein sequence and it might alter its composition and physico-chemical properties. Multiple lines of computational evidence (Polyphen - Damaging, SIFT - Damaging and MutationTaster - Disease causing) predict a damaging effect on protein structure and function for this variant. The residue is conserved by GERP++ and PhyloP across 100 vertebrates. For these reasons, this variant has been classified as Uncertain Significance.

NM_002609.4(PDGFRB):c.3080A>C (p.Asp1027Ala)

Gene: PDGFRB (platelet derived growth factor receptor beta; minus strand). Cytogenetic location: 5q32.
Variant type: single nucleotide variant.
Coding change: c.3080A>C on transcript NM_002609.4 (MANE Select); coding-DNA position 3080, A replaced by C.
Protein change: p.Asp1027Ala; replaces aspartic acid 1027 with alanine.
Molecular consequence: missense variant.
Genome position (GRCh38, 1-based): chr5:150,117,675, T>G on the plus strand (A>C on the coding strand, the complement: PDGFRB is on the minus strand). VCF-style: chr5-150117675-T-G. GRCh37 (hg19) VCF-style: chr5-149497238-T-G.
Other names: c.2888A>C, p.Asp963Ala (NM_001355016.2); c.2597A>C, p.Asp866Ala (NM_001355017.2); short protein forms D1027A, D866A, D963A.
Identifiers: ClinVar variation 3731346 (VCV003731346.1).
Genomic context (GRCh38, chr5:150,117,675, plus strand): 5'-TACCTGGCTAGGCTGGGGGAACCCTCCAGTGGGCCCTCGTCAGCAACCTCGGGTTTGGGG[T>G]CAGGCAGGGGGATGATATAGTCGTTGTCACCCTCATTGGGCTGCACGGCAGTATAGAGGA-3'
Protein context (NP_002600.1, residues 1017-1037): GDNDYIIPLP[Asp1027Ala]PKPEVADEGP